The following is an entry in ClinVar:

ClinVar aggregate classification (germline): Conflicting classifications of pathogenicity. Review status: criteria provided, conflicting classifications (1 of 4 stars). 3 submissions from 3 submitters: Likely pathogenic (1); Uncertain significance (2). Last evaluated 2025-12-05.

Conditions:
Ehlers-Danlos syndrome, classic type, 1 (EDSCL1). Also called: EHLERS-DANLOS SYNDROME, GRAVIS TYPE; EHLERS-DANLOS SYNDROME, SEVERE CLASSIC TYPE; EDS I; Ehlers-Danlos Syndrome, Classic Type, COL5A1-Related; Ehlers-Danlos syndrome, type 1. Identifiers: MedGen C0268335, MONDO:0019567, OMIM 130000.

Allele frequency attached by ClinVar (database versions not stated): gnomAD exomes 0.00001 and below 0.00001; TOPMed below 0.00001.
gnomAD v4.1: 4 of 1,552,538 alleles (0.00026%); highest among the groups gnomAD compares: South Asian, 0.0012%; no homozygotes.

Submissions (3):

Women's Health and Genetics/Laboratory Corporation of America, LabCorp
Classification: Uncertain significance. Last evaluated: 2025-12-05. Review status: criteria provided, single submitter. Criteria: LabCorp Variant Classification Summary - May 2015. Collection method: clinical testing. Allele origin: germline.
Comment: Variant summary: COL5A2 c.2968G>A (p.Gly990Arg) results in a non-conservative amino acid change in the encoded protein sequence. Algorithms developed to predict the effect of missense changes on protein structure and function all suggest that this variant is likely to be disruptive. The variant allele was found at a frequency of 6.3e-06 in 158228 control chromosomes. The available data on variant occurrences in the general population are insufficient to allow any conclusion about variant significance. c.2968G>A has been observed with another missense variant in an individual affected with clinical features overlapping Ehlers-Danlos syndrome, classic type, 2 (Kim_2025). These report(s) do not provide unequivocal conclusions about association of the variant with Ehlers-Danlos syndrome, classic type, 2. To our knowledge, no experimental evidence demonstrating an impact on protein function has been reported. The following publication have been ascertained in the context of this evaluation (PMID: 39762984). ClinVar contains an entry for this variant (Variation ID: 423881). Based on the evidence outlined above, the variant was classified as uncertain significance.

Labcorp Genetics (formerly Invitae), Labcorp
Classification: Uncertain significance for Ehlers-Danlos syndrome, classic type, 1. Last evaluated: 2025-09-23. Review status: criteria provided, single submitter. Criteria: Invitae Variant Classification Sherloc (09022015). Collection method: clinical testing. Allele origin: germline.
Comment: This sequence change replaces glycine, which is neutral and non-polar, with arginine, which is basic and polar, at codon 990 of the COL5A2 protein (p.Gly990Arg). The frequency data for this variant in the population databases is considered unreliable, as metrics indicate poor data quality at this position in the gnomAD database. This missense change has been observed in individual(s) with clinical features of Ehlers-Danlos syndrome (Invitate). ClinVar contains an entry for this variant (Variation ID: 423881). Invitae Evidence Modeling of protein sequence and biophysical properties (such as structural, functional, and spatial information, amino acid conservation, physicochemical variation, residue mobility, and thermodynamic stability) indicates that this missense variant is expected to disrupt COL5A2 protein function with a positive predictive value of 80%. In summary, the available evidence is currently insufficient to determine the role of this variant in disease. Therefore, it has been classified as a Variant of Uncertain Significance.

GeneDx
Classification: Likely pathogenic. Last evaluated: 2025-06-23. Review status: criteria provided, single submitter. Criteria: GeneDx Variant Classification Process June 2021. Collection method: clinical testing. Allele origin: germline. Affected: yes.
Comment: Observed with an additional variant on the opposite allele (in trans) in a patient with imperforate anus, rectovestibular fistula, patent ductus arteriosus, and congenital hip dislocation in published literature (PMID: 39762984); Not observed at significant frequency in large population cohorts (gnomAD); In silico analysis supports that this missense variant has a deleterious effect on protein structure/function; This variant is associated with the following publications: (PMID: 39762984, 22696272)

Literature cited by the submitters: PubMed 39762984 (cited by Women's Health and Genetics/Laboratory Corporation of America, LabCorp).

NM_000393.5(COL5A2):c.2968G>A (p.Gly990Arg)

Gene: COL5A2 (collagen type V alpha 2 chain; minus strand). Cytogenetic location: 2q32.2.
Variant type: single nucleotide variant.
Coding change: c.2968G>A on transcript NM_000393.5 (MANE Select); coding-DNA position 2968, G replaced by A.
Protein change: p.Gly990Arg; replaces glycine 990 with arginine.
Molecular consequence: missense variant.
Genome position (GRCh38, 1-based): chr2:189,050,640, C>T on the plus strand (G>A on the coding strand, the complement: COL5A2 is on the minus strand). VCF-style: chr2-189050640-C-T. GRCh37 (hg19) VCF-style: chr2-189915366-C-T.
Other names: short protein forms G990R.
Identifiers: ClinVar variation 423881 (VCV000423881.20), dbSNP rs1040238147, ClinGen allele CA16617397.
Genomic context (GRCh38, chr2:189,050,640, plus strand): 5'-GTAGGCCGGGCATGCCTCTCTCTCCACGTTGCCCAGGCATGCCAACAATTCCTCTCTGCC[C>T]GGTCGTTCCAGCTGGACCAGGGGGGCCATCTGGACCCTAATGTTGAGGACAAACTAAAAT-3'
Protein context (NP_000384.2, residues 980-1000): DGPPGPAGTT[Gly990Arg]QRGIVGMPGQ